The following is an entry in ClinVar:

NM_182641.4(BPTF):c.6955C>G (p.Gln2319Glu)

Gene: BPTF (bromodomain PHD finger transcription factor; plus strand). Cytogenetic location: 17q24.2.
Variant type: single nucleotide variant.
Coding change: c.6955C>G on transcript NM_182641.4 (MANE Select); coding-DNA position 6955, C replaced by G.
Protein change: p.Gln2319Glu; replaces glutamine 2319 with glutamic acid.
Molecular consequence: missense variant.
Genome position (GRCh38, 1-based): chr17:67,945,663, C>G. VCF-style: chr17-67945663-C-G. GRCh37 (hg19) VCF-style: chr17-65941779-C-G.
Other names: c.7333C>G, p.Gln2445Glu (NM_004459.7); short protein forms Q2319E, Q2445E.
Identifiers: ClinVar variation 2572715 (VCV002572715.1), dbSNP rs1598832324, ClinGen allele CA400724059.

ClinVar aggregate classification (germline): Uncertain significance (1 of 4 stars; one submission).

Submission:

GeneDx
Classification: Uncertain significance. Last evaluated: 2023-01-13. Review status: criteria provided, single submitter. Criteria: GeneDx Variant Classification Process June 2021. Collection method: clinical testing. Allele origin: germline. Affected: yes.
Comment: Not observed at significant frequency in large population cohorts (gnomAD); In silico analysis supports that this missense variant does not alter protein structure/function; Has not been previously published as pathogenic or benign to our knowledge